The following is an entry in ClinVar:

NM_006563.5(KLF1):c.851C>T (p.Pro284Leu)

Genes: KLF1 (KLF transcription factor 1; minus strand), LOC117125591 (CRISPRi-FlowFISH-validated PRDX2 and RAD23A regulatory element; plus strand). Cytogenetic location: 19p13.13.
Variant type: single nucleotide variant.
Coding change: c.851C>T on transcript NM_006563.5 (MANE Select); coding-DNA position 851, C replaced by T.
Protein change: p.Pro284Leu; replaces proline 284 with leucine.
Molecular consequence: missense variant.
Genome position (GRCh38, 1-based): chr19:12,885,379, G>A on the plus strand (C>T on the coding strand, the complement: KLF1 is on the minus strand). VCF-style: chr19-12885379-G-A. GRCh37 (hg19) VCF-style: chr19-12996193-G-A.
Other names: short protein forms P284L.
Identifiers: ClinVar variation 2072153 (VCV002072153.4), dbSNP rs745347362, ClinGen allele CA9234001.

ClinVar aggregate classification (germline): Uncertain significance (1 of 4 stars; one submission).

Allele frequency attached by ClinVar (database versions not stated): TOPMed below 0.00001; gnomAD 0.00005; ExAC 0.00030.

Submission:

Labcorp Genetics (formerly Invitae), Labcorp
Classification: Uncertain significance. Last evaluated: 2025-08-12. Review status: criteria provided, single submitter. Criteria: Invitae Variant Classification Sherloc (09022015). Collection method: clinical testing. Allele origin: germline.
Comment: This sequence change replaces proline, which is neutral and non-polar, with leucine, which is neutral and non-polar, at codon 284 of the KLF1 protein (p.Pro284Leu). This variant is present in population databases (rs745347362, gnomAD 0.1%). This variant has not been reported in the literature in individuals affected with KLF1-related conditions. ClinVar contains an entry for this variant (Variation ID: 2072153). Invitae Evidence Modeling of protein sequence and biophysical properties (such as structural, functional, and spatial information, amino acid conservation, physicochemical variation, residue mobility, and thermodynamic stability) has been performed for this missense variant. However, the output from this modeling did not meet the statistical confidence thresholds required to predict the impact of this variant on KLF1 protein function. In summary, the available evidence is currently insufficient to determine the role of this variant in disease. Therefore, it has been classified as a Variant of Uncertain Significance.